The following is an entry in ClinVar:

ClinVar aggregate classification (germline): Uncertain significance (1 of 4 stars; one submission).

Allele frequency attached by ClinVar (database versions not stated): ExAC 0.00001; gnomAD 0.00001; gnomAD exomes 0.00002; TOPMed 0.00005; ESP Exome Variant Server 0.00015.
gnomAD v4.1: 11 of 1,613,992 alleles (0.00068%); highest among the groups gnomAD compares: African/African-American, 0.004%; no homozygotes.

Submission:

Labcorp Genetics (formerly Invitae), Labcorp
Classification: Uncertain significance. Last evaluated: 2025-07-15. Review status: criteria provided, single submitter. Criteria: Invitae Variant Classification Sherloc (09022015). Collection method: clinical testing. Allele origin: germline.
Comment: This sequence change replaces serine, which is neutral and polar, with leucine, which is neutral and non-polar, at codon 405 of the CLCN6 protein (p.Ser405Leu). This variant is present in population databases (rs371954004, gnomAD 0.01%). This variant has not been reported in the literature in individuals affected with CLCN6-related conditions. ClinVar contains an entry for this variant (Variation ID: 2419417). An algorithm developed to predict the effect of missense changes on protein structure and function (PolyPhen-2) suggests that this variant is likely to be tolerated. In summary, the available evidence is currently insufficient to determine the role of this variant in disease. Therefore, it has been classified as a Variant of Uncertain Significance.

NM_001286.5(CLCN6):c.1214C>T (p.Ser405Leu)

Gene: CLCN6 (chloride voltage-gated channel 6; plus strand). Cytogenetic location: 1p36.22.
Variant type: single nucleotide variant.
Coding change: c.1214C>T on transcript NM_001286.5 (MANE Select); coding-DNA position 1214, C replaced by T.
Protein change: p.Ser405Leu; replaces serine 405 with leucine.
Molecular consequence: missense variant. On other transcripts: non-coding transcript variant (1).
Genome position (GRCh38, 1-based): chr1:11,829,288, C>T. VCF-style: chr1-11829288-C-T. GRCh37 (hg19) VCF-style: chr1-11889345-C-T.
Other names: c.1148C>T, p.Ser383Leu (NM_001256959.2); short protein forms S383L, S405L.
Identifiers: ClinVar variation 2419417 (VCV002419417.6), dbSNP rs371954004, ClinGen allele CA596390.